The following is an entry in ClinVar:

ClinVar aggregate classification (germline): Uncertain significance. Review status: criteria provided, multiple submitters, no conflicts (2 of 4 stars). 2 submissions from 2 submitters: Uncertain significance (2). Last evaluated 2025-06-01.

Allele frequency attached by ClinVar (database versions not stated): gnomAD exomes 0.00003; ExAC 0.00006; ESP Exome Variant Server 0.00008; 1000 Genomes Project 30x 0.00016; 1000 Genomes Project 0.00020.
gnomAD v4.1: 46 of 1,612,024 alleles (0.0029%); highest among the groups gnomAD compares: South Asian, 0.04%; no homozygotes.

Submissions (2):

CeGaT Center for Human Genetics Tuebingen
Classification: Uncertain significance. Last evaluated: 2025-06-01. Review status: criteria provided, single submitter. Criteria: CeGaT Center For Human Genetics Tuebingen Variant Classification Criteria Version 2. Collection method: clinical testing. Allele origin: germline. Affected: yes. Observed: 1 variant allele.
Comment: SLC12A2: PM2

Labcorp Genetics (formerly Invitae), Labcorp
Classification: Uncertain significance. Last evaluated: 2024-01-18. Review status: criteria provided, single submitter. Criteria: Invitae Variant Classification Sherloc (09022015). Collection method: clinical testing. Allele origin: germline.
Comment: This sequence change replaces valine, which is neutral and non-polar, with isoleucine, which is neutral and non-polar, at codon 534 of the SLC12A2 protein (p.Val534Ile). This variant is present in population databases (rs377357368, gnomAD 0.03%). This variant has not been reported in the literature in individuals affected with SLC12A2-related conditions. Advanced modeling of protein sequence and biophysical properties (such as structural, functional, and spatial information, amino acid conservation, physicochemical variation, residue mobility, and thermodynamic stability) performed at Invitae indicates that this missense variant is not expected to disrupt SLC12A2 protein function with a negative predictive value of 80%. In summary, the available evidence is currently insufficient to determine the role of this variant in disease. Therefore, it has been classified as a Variant of Uncertain Significance.

NM_001046.3(SLC12A2):c.1600G>A (p.Val534Ile)

Gene: SLC12A2 (solute carrier family 12 member 2; plus strand). Cytogenetic location: 5q23.3.
Variant type: single nucleotide variant.
Coding change: c.1600G>A on transcript NM_001046.3 (MANE Select); coding-DNA position 1600, G replaced by A.
Protein change: p.Val534Ile; replaces valine 534 with isoleucine.
Molecular consequence: missense variant. On other transcripts: non-coding transcript variant (1).
Genome position (GRCh38, 1-based): chr5:128,138,887, G>A. VCF-style: chr5-128138887-G-A. GRCh37 (hg19) VCF-style: chr5-127474579-G-A.
Other names: c.1600G>A, p.Val534Ile (NM_001256461.2); short protein forms V534I.
Identifiers: ClinVar variation 2972572 (VCV002972572.13), dbSNP rs377357368, ClinGen allele CA3393151.